The following is an entry in ClinVar:

NM_000552.5(VWF):c.3485C>T (p.Pro1162Leu)

Gene: VWF (von Willebrand factor; minus strand). Cytogenetic location: 12p13.31.
Variant type: single nucleotide variant.
Coding change: c.3485C>T on transcript NM_000552.5 (MANE Select); coding-DNA position 3485, C replaced by T.
Protein change: p.Pro1162Leu; replaces proline 1162 with leucine.
Molecular consequence: missense variant.
Genome position (GRCh38, 1-based): chr12:6,022,793, G>A on the plus strand (C>T on the coding strand, the complement: VWF is on the minus strand). VCF-style: chr12-6022793-G-A. GRCh37 (hg19) VCF-style: chr12-6131959-G-A.
Other names: p.P1162L; NM_000552.5(VWF):c.3485C>T; p.Pro1162Leu; c.3485C>T (NM_000552.4); short protein forms P1162L.
Identifiers: ClinVar variation 256669 (VCV000256669.10), dbSNP rs566672558, ClinGen allele CA6402756.
Genomic context (GRCh38, chr12:6,022,793, plus strand): 5'-GCCTCACCTGGAGGGCAGTGGGCATGGCAGCCCTCCACACACTGCACAGGGCAGGCCAGT[G>A]GCTCAGGGTGCTGACACGTGACTTGACAGGCAGGTGCACAGCTGTTATAGCGCCACTCAC-3'
Protein context (NP_000543.3, residues 1152-1172): ACQVTCQHPE[Pro1162Leu]LACPVQCVEG

ClinVar aggregate classification (germline): Benign. Review status: reviewed by expert panel (3 of 4 stars). 5 submissions from 5 submitters: Benign (1). 4 of the submissions do not count toward it. Last evaluated 2024-08-12.

Conditions:
Hereditary von Willebrand disease. Identifiers: Orphanet 903, MedGen C5703318, MONDO:0019565. Inheritance: Autosomal recessive or Autosomal dominant.
von Willebrand disease type 1 (VWD1). Also called: VON WILLEBRAND DISEASE, TYPE I; VWD, TYPE 1. Identifiers: Orphanet 166078, Orphanet 903, MedGen C1264039, MONDO:0008668, OMIM 193400. Inheritance: autosomal recessive or autosomal dominant.

Allele frequency attached by ClinVar (database versions not stated): ExAC below 0.00001; gnomAD exomes 0.02560; gnomAD 0.05671; 1000 Genomes Project 0.07668; 1000 Genomes Project 30x 0.08260.

Submissions (5):

ClinGen von Willebrand Disease Variant Curation Expert Panel, ClinGen
Classification: Benign for Hereditary von Willebrand disease. Last evaluated: 2024-08-12. Review status: reviewed by expert panel. Criteria: ClinGen VWD 2A B M Rules. Collection method: curation. Allele origin: germline.
Comment: NM_000552.5(VWF):c.3485C>T is a missense variant that replaces proline with leucine at position 1162. The Grpmax filtering allele frequency in gnomAD v4.1 is 0.2036 (based on 7087/34136 alleles in the African/African-American population), which is higher than the ClinGen VWD VCEP threshold (>0.1) for BA1, and therefore meets this criterion (BA1). Heterologous expression of the variant protein revealed similarities to the wild-type VWF control in secretion, collagen binding, GPIb binding, and multimerization (PMID: 28544236). The computational predictor REVEL gives a score of 0.677, which is above the ClinGen VWD VCEP threshold of >0.644 and predicts a damaging effect on VWF function (PP3). In summary, this variant meets the criteria to be classified as Benign for hereditary von Willebrand disease based on the ACMG/AMP criteria applied, as specified by the ClinGen VWD VCEP: BA1, PP3.

Mayo Clinic Laboratories, Mayo Clinic
Classification: Benign. Last evaluated: 2022-12-19. Review status: criteria provided, single submitter. Criteria: ACMG Guidelines, 2015. Collection method: clinical testing. Allele origin: germline. Observed: 22 variant alleles. Not counted in ClinVar's aggregate classification.
Comment: BA1, BS1, BS3

Laboratory of Hematology, Radboud University Medical Center
Classification: Benign for von Willebrand disease type 1. Last evaluated: 2020-12-10. Review status: criteria provided, single submitter. Criteria: ACMG Guidelines, 2015. Collection method: research. Allele origin: germline. Affected: yes. Observed: 2 variant alleles. Study: WIN study. Not counted in ClinVar's aggregate classification.

Breakthrough Genomics
Classification: Likely benign. Review status: criteria provided, single submitter. Criteria: ACMG Guidelines, 2015. Collection method: not provided. Allele origin: germline. Inheritance: Autosomal recessive inheritance. Affected: yes. Not counted in ClinVar's aggregate classification.

PreventionGenetics, part of Exact Sciences
Classification: Likely benign. Review status: criteria provided, single submitter. Criteria: ACMG Guidelines, 2015. Collection method: clinical testing. Allele origin: germline. Not counted in ClinVar's aggregate classification.